The following is an entry in ClinVar:

NM_004586.3(RPS6KA3):c.2084C>T (p.Ala695Val)

Gene: RPS6KA3 (ribosomal protein S6 kinase A3; minus strand). Cytogenetic location: Xp22.12.
Variant type: single nucleotide variant.
Coding change: c.2084C>T on transcript NM_004586.3 (MANE Select); coding-DNA position 2084, C replaced by T.
Protein change: p.Ala695Val; replaces alanine 695 with valine.
Molecular consequence: missense variant.
Genome position (GRCh38, 1-based): chrX:20,156,125, G>A on the plus strand (C>T on the coding strand, the complement: RPS6KA3 is on the minus strand). VCF-style: chrX-20156125-G-A. GRCh37 (hg19) VCF-style: chrX-20174243-G-A.
Other names: c.2000C>T, p.Ala667Val (NM_001438340.1); short protein forms A695V, A667V.
Identifiers: ClinVar variation 5001342 (VCV005001342.1).

ClinVar aggregate classification (germline): Uncertain significance (1 of 4 stars; one submission).

Conditions:
RPS6KA3-related disorder. Also called: RPS6KA3-related condition.

Submission:

PreventionGenetics, part of Exact Sciences
Classification: Uncertain significance for RPS6KA3-related condition. Last evaluated: 2025-02-22. Review status: criteria provided, single submitter. Criteria: ACMG Guidelines, 2015. Collection method: clinical testing. Allele origin: germline.
Comment: The RPS6KA3 c.2084C>T variant is predicted to result in the amino acid substitution p.Ala695Val. To our knowledge, this variant has not been reported in the literature or in a large population database (gnomAD), indicating this variant is rare. At this time, the clinical significance of this variant is uncertain due to the absence of conclusive functional and genetic evidence.